The following is an entry in ClinVar:

NM_024312.5(GNPTAB):c.1191del (p.Leu398fs)

Gene: GNPTAB (N-acetylglucosamine-1-phosphate transferase subunits alpha and beta; minus strand). Cytogenetic location: 12q23.2.
Variant type: Deletion.
Coding change: c.1191del on transcript NM_024312.5 (MANE Select); coding-DNA position 1191, one base deleted (G; older notation c.1191delG).
Protein change: p.Leu398fs; shifts the reading frame from leucine 398.
Molecular consequence: frameshift variant.
Genome position (GRCh38, 1-based): chr12:101,770,114, C deleted on the plus strand (G on the coding strand, the reverse complement: GNPTAB is on the minus strand); the first of 3 consecutive C bases (chr12:101,770,114-101,770,116); deleting any one gives the same sequence. VCF-style (leftmost placement, unchanged base first): chr12-101770113-GC-G. GRCh37 (hg19) VCF-style: chr12-102163891-GC-G.
Other names: short protein forms L398fs.
Identifiers: ClinVar variation 5015040 (VCV005015040.1).

ClinVar aggregate classification (germline): Pathogenic (1 of 4 stars; one submission).

Conditions:
GNPTAB-mucolipidosis. Also called: UDP-N-acetylglucosamine-1-phosphotransferase subunit alpha/beta deficiency. Identifiers: MedGen CN322573, MONDO:0100122.

Submission:

Myriad Genetics, Inc.
Classification: Pathogenic for GNPTAB-mucolipidosis. Last evaluated: 2025-10-02. Review status: criteria provided, single submitter. Criteria: Myriad Autosomal Dominant, Autosomal Recessive and X-Linked Classification Criteria (2023). Collection method: clinical testing. Allele origin: unknown.
Comment: NM_024312.4(GNPTAB):c.1191delG(L398Cfs*8) is expected to be pathogenic in the context of GNPTAB-related disorders. This variant is predicted to lead to an abnormal or absent protein product due to the creation of a premature termination codon in GNPTAB, a gene where loss-of-function variants are known to be pathogenic. Please note: this variant was assessed in the context of healthy population screening.